The following is an entry in ClinVar:

NM_001366722.1(GRIP1):c.2260C>T (p.Gln754Ter)

Gene: GRIP1 (glutamate receptor interacting protein 1; minus strand). Cytogenetic location: 12q14.3.
Variant type: single nucleotide variant.
Coding change: c.2260C>T on transcript NM_001366722.1 (MANE Select); coding-DNA position 2260, C replaced by T.
Protein change: p.Gln754Ter; replaces glutamine 754 with a stop codon.
Molecular consequence: nonsense.
Genome position (GRCh38, 1-based): chr12:66,392,686, G>A on the plus strand (C>T on the coding strand, the complement: GRIP1 is on the minus strand). VCF-style: chr12-66392686-G-A. GRCh37 (hg19) VCF-style: chr12-66786466-G-A.
Other names: c.2104C>T, p.Gln702Ter (NM_001178074.2, NM_001379351.1, NM_021150.4); c.2179C>T, p.Gln727Ter (NM_001366723.1, NM_001379348.1); c.2182C>T, p.Gln728Ter (NM_001366724.1, NM_001379347.1); c.2338C>T, p.Gln780Ter (NM_001379345.1); c.2260C>T, p.Gln754Ter (NM_001379346.1, NM_001439323.1); c.2107C>T, p.Gln703Ter (NM_001379349.1); c.2263C>T, p.Gln755Ter (NM_001439322.1); short protein forms Q702*, Q703*, Q727*, Q728*, Q754*, Q755*, Q780*.
Identifiers: ClinVar variation 5013155 (VCV005013155.1).

ClinVar aggregate classification (germline): Pathogenic (1 of 4 stars; one submission).

Conditions:
Fraser syndrome 3. Identifiers: MedGen C4540040, MONDO:0054739, OMIM 617667.

gnomAD v4.1: 1 of 1,614,064 alleles (0.000062%); highest among the groups gnomAD compares: Non-Finnish European, 0.000085%; no homozygotes.

Submission:

Myriad Genetics, Inc.
Classification: Pathogenic for Fraser syndrome 3. Last evaluated: 2024-06-06. Review status: criteria provided, single submitter. Criteria: Myriad Autosomal Dominant, Autosomal Recessive and X-Linked Classification Criteria (2023). Collection method: clinical testing. Allele origin: unknown.
Comment: NM_021150.3(GRIP1):c.2104C>T(Q702*) is expected to be pathogenic in the context of Fraser syndrome, GRIP1-related. This variant is predicted to lead to an abnormal or absent protein product due to the creation of a premature termination codon in GRIP1, a gene where loss-of-function variants are known to be pathogenic. Please note: this variant was assessed in the context of healthy population screening.